The following is an entry in ClinVar:

ClinVar aggregate classification (germline): Uncertain significance (1 of 4 stars; one submission).

Conditions:
Pontocerebellar hypoplasia type 1A (PCH1A). Also called: PONTOCEREBELLAR HYPOPLASIA WITH ANTERIOR HORN CELL DISEASE; PONTOCEREBELLAR HYPOPLASIA WITH INFANTILE SPINAL MUSCULAR ATROPHY. Identifiers: Orphanet 2254, Orphanet 88616, MedGen C1843504, MONDO:0011866, OMIM 607596.

Allele frequency attached by ClinVar (database versions not stated): gnomAD exomes below 0.00001 and 0.00001; ExAC 0.00003.
gnomAD v4.1: 3 of 1,612,486 alleles (0.00019%); highest among the groups gnomAD compares: Non-Finnish European, 0.00025%; no homozygotes.

Submission:

Labcorp Genetics (formerly Invitae), Labcorp
Classification: Uncertain significance for Pontocerebellar hypoplasia type 1A. Last evaluated: 2021-12-23. Review status: criteria provided, single submitter. Criteria: Invitae Variant Classification Sherloc (09022015). Collection method: clinical testing. Allele origin: germline.
Comment: This sequence change falls in intron 10 of the VRK1 gene. It does not directly change the encoded amino acid sequence of the VRK1 protein. It affects a nucleotide within the consensus splice site. This variant is present in population databases (rs761286112, gnomAD 0.003%). This variant has not been reported in the literature in individuals affected with VRK1-related conditions. Variants that disrupt the consensus splice site are a relatively common cause of aberrant splicing (PMID: 17576681, 9536098). Algorithms developed to predict the effect of sequence changes on RNA splicing suggest that this variant is not likely to affect RNA splicing. In summary, the available evidence is currently insufficient to determine the role of this variant in disease. Therefore, it has been classified as a Variant of Uncertain Significance.

Literature cited by the submitters: PubMed 17576681; PubMed 9536098.

NM_003384.3(VRK1):c.889+4G>C

Gene: VRK1 (VRK serine/threonine kinase 1; plus strand). Cytogenetic location: 14q32.2.
Variant type: single nucleotide variant.
Coding change: c.889+4G>C on transcript NM_003384.3 (MANE Select); 4 bases into the intron after coding-DNA position 889, G replaced by C.
Molecular consequence: intron variant.
Genome position (GRCh38, 1-based): chr14:96,856,590, G>C. VCF-style: chr14-96856590-G-C. GRCh37 (hg19) VCF-style: chr14-97322927-G-C.
Identifiers: ClinVar variation 1417467 (VCV001417467.6), dbSNP rs761286112, ClinGen allele CA7339109.